The following is an entry in ClinVar:

ClinVar aggregate classification (germline): Uncertain significance (1 of 4 stars; one submission).

Conditions:
Legius syndrome. Identifiers: Orphanet 137605, MedGen C1969623, MONDO:0012669, OMIM 611431. Disease mechanism: loss of function.

Submission:

Labcorp Genetics (formerly Invitae), Labcorp
Classification: Uncertain significance for Legius syndrome. Last evaluated: 2022-12-24. Review status: criteria provided, single submitter. Criteria: Invitae Variant Classification Sherloc (09022015). Collection method: clinical testing. Allele origin: germline.
Comment: In summary, the available evidence is currently insufficient to determine the role of this variant in disease. Therefore, it has been classified as a Variant of Uncertain Significance. Experimental studies have shown that this missense change affects SPRED1 function (PMID: 26635368). Advanced modeling performed at Invitae incorporating data from internal and/or published experimental studies (Invitae) indicates that this missense variant is expected to disrupt SPRED1 function. ClinVar contains an entry for this variant (Variation ID: 569345). This missense change has been observed in individual(s) with Legius syndrome (PMID: 26635368). This sequence change replaces tryptophan, which is neutral and slightly polar, with arginine, which is basic and polar, at codon 92 of the SPRED1 protein (p.Trp92Arg). This variant is not present in population databases (gnomAD no frequency).

Literature cited by the submitters: PubMed 26635368.

NM_152594.3(SPRED1):c.274T>C (p.Trp92Arg)

Gene: SPRED1 (sprouty related EVH1 domain containing 1; plus strand). Cytogenetic location: 15q14.
Variant type: single nucleotide variant.
Coding change: c.274T>C on transcript NM_152594.3 (MANE Select); coding-DNA position 274, T replaced by C.
Protein change: p.Trp92Arg; replaces tryptophan 92 with arginine.
Molecular consequence: missense variant.
Genome position (GRCh38, 1-based): chr15:38,322,307, T>C. VCF-style: chr15-38322307-T-C. GRCh37 (hg19) VCF-style: chr15-38614508-T-C.
Other names: short protein forms W92R.
Identifiers: ClinVar variation 569345 (VCV000569345.11), dbSNP rs1566867214, ClinGen allele CA391932031.
Genomic context (GRCh38, chr15:38,322,307, plus strand): 5'-TTGGAATGTATGCTTAAAAAAGACCTCATTTATAATAAGGTCACTCCAACATTTCACCAC[T>C]GGAAGATTGATGACAAGAAGTTTGGTCTTACGTTTCAAAGTCCTGCTGATGCTAGGGCTT-3'
Protein context (NP_689807.1, residues 82-102): YNKVTPTFHH[Trp92Arg]KIDDKKFGLT